The following is an entry in ClinVar:

ClinVar aggregate classification (germline): Uncertain significance (1 of 4 stars; one submission).

Submission:

Labcorp Genetics (formerly Invitae), Labcorp
Classification: Uncertain significance. Last evaluated: 2022-02-19. Review status: criteria provided, single submitter. Criteria: Invitae Variant Classification Sherloc (09022015). Collection method: clinical testing. Allele origin: germline.
Comment: This sequence change replaces tyrosine, which is neutral and polar, with cysteine, which is neutral and slightly polar, at codon 1504 of the LRP6 protein (p.Tyr1504Cys). This variant is not present in population databases (gnomAD no frequency). This variant has not been reported in the literature in individuals affected with LRP6-related conditions. Algorithms developed to predict the effect of missense changes on protein structure and function are either unavailable or do not agree on the potential impact of this missense change (SIFT: "Deleterious"; PolyPhen-2: "Benign"; Align-GVGD: "Class C65"). In summary, the available evidence is currently insufficient to determine the role of this variant in disease. Therefore, it has been classified as a Variant of Uncertain Significance.

NM_002336.3(LRP6):c.4511A>G (p.Tyr1504Cys)

Gene: LRP6 (LDL receptor related protein 6; minus strand). Cytogenetic location: 12p13.2.
Variant type: single nucleotide variant.
Coding change: c.4511A>G on transcript NM_002336.3 (MANE Select); coding-DNA position 4511, A replaced by G.
Protein change: p.Tyr1504Cys; replaces tyrosine 1504 with cysteine.
Molecular consequence: missense variant.
Genome position (GRCh38, 1-based): chr12:12,124,601, T>C on the plus strand (A>G on the coding strand, the complement: LRP6 is on the minus strand). VCF-style: chr12-12124601-T-C. GRCh37 (hg19) VCF-style: chr12-12277535-T-C.
Other names: c.4604A>G, p.Tyr1535Cys (NM_001414244.1); c.4511A>G, p.Tyr1504Cys (NM_001414245.1, NM_001414248.1, NM_001414249.1 and 1 more transcripts); c.4376A>G, p.Tyr1459Cys (NM_001414246.1); c.4313A>G, p.Tyr1438Cys (NM_001414247.1); c.4148A>G, p.Tyr1383Cys (NM_001414251.1); c.4058A>G, p.Tyr1353Cys (NM_001414252.1, NM_001414253.1, NM_001414254.1); c.4004A>G, p.Tyr1335Cys (NM_001414255.1); short protein forms Y1353C, Y1335C, Y1459C, Y1504C, Y1535C, Y1383C, Y1438C.
Identifiers: ClinVar variation 2099184 (VCV002099184.4), dbSNP rs2498577889, ClinGen allele CA383948151.